The following is an entry in ClinVar:

NM_004621.6(TRPC6):c.1128+127T>C

Gene: TRPC6 (transient receptor potential cation channel subfamily C member 6; minus strand). Cytogenetic location: 11q22.1.
Variant type: single nucleotide variant.
Coding change: c.1128+127T>C on transcript NM_004621.6 (MANE Select); 127 bases into the intron after coding-DNA position 1128, T replaced by C.
Molecular consequence: intron variant.
Genome position (GRCh38, 1-based): chr11:101,491,429, A>G on the plus strand (T>C on the coding strand, the complement: TRPC6 is on the minus strand). VCF-style: chr11-101491429-A-G. GRCh37 (hg19) VCF-style: chr11-101362160-A-G.
Identifiers: ClinVar variation 1686752 (VCV001686752.2), dbSNP rs533402132, ClinGen allele CA227525147.

ClinVar aggregate classification (germline): Likely benign (1 of 4 stars; one submission).

Allele frequency attached by ClinVar (database versions not stated): gnomAD 0.00555 and 0.00521; 1000 Genomes Project 30x 0.00703; gnomAD exomes 0.00038; TOPMed 0.00495; 1000 Genomes Project 0.00539.
gnomAD v4.1: 1,121 of 1,242,406 alleles (0.09%); highest among the groups gnomAD compares: African/African-American, 1.8%; 10 homozygotes.

Submission:

GeneDx
Classification: Likely benign. Last evaluated: 2021-11-20. Review status: criteria provided, single submitter. Criteria: GeneDx Variant Classification Process June 2021. Collection method: clinical testing. Allele origin: germline. Affected: yes.
Comment: See Variant Classification Assertion Criteria.